The following is an entry in ClinVar:

ClinVar aggregate classification (germline): Likely benign (1 of 4 stars; one submission).

Allele frequency attached by ClinVar (database versions not stated): gnomAD exomes below 0.00001.

Submission:

CeGaT Center for Human Genetics Tuebingen
Classification: Likely benign. Last evaluated: 2024-03-01. Review status: criteria provided, single submitter. Criteria: CeGaT Center For Human Genetics Tuebingen Variant Classification Criteria Version 2. Collection method: clinical testing. Allele origin: germline. Affected: yes. Observed: 1 variant allele.
Comment: COQ7: PM2:Supporting, BP4, BP7

NM_016138.5(COQ7):c.90C>G (p.Thr30=)

Gene: COQ7 (coenzyme Q7, hydroxylase; plus strand). Cytogenetic location: 16p12.3.
Variant type: single nucleotide variant.
Coding change: c.90C>G on transcript NM_016138.5 (MANE Select); coding-DNA position 90, C replaced by G.
Protein change: p.Thr30=; no amino-acid change (threonine 30 retained).
Molecular consequence: synonymous variant. On other transcripts: 5 prime UTR variant (5), non-coding transcript variant (3).
Genome position (GRCh38, 1-based): chr16:19,071,944, C>G. VCF-style: chr16-19071944-C-G. GRCh37 (hg19) VCF-style: chr16-19083266-C-G.
Other names: c.-25C>G (NM_001190983.2, NM_001370492.1, NM_001370493.1 and 2 more transcripts); c.48C>G, p.Thr16= (NM_001370489.1, NM_001370491.1); c.90C>G, p.Thr30= (NM_001370490.1).
Identifiers: ClinVar variation 3067651 (VCV003067651.21), dbSNP rs2509337135, ClinGen allele CA493822110.
Genomic context (GRCh38, chr16:19,071,944, plus strand): 5'-GGATTTTACCTGATCATAACGAAGAATAAACACTTGCATTTCAGCTTATGGAAGAAGAAC[C>G]AGTGTCAGATTTCGCAGTTCAGGAATGACTTTAGACAATATCAGTCGGGCAGCTGTGGAT-3'
Protein context (NP_057222.2, residues 20-40): RRSLSAYGRR[Thr30=]SVRFRSSGMT